The following is an entry in ClinVar:

NM_014714.4(IFT140):c.4077G>T (p.Gln1359His)

Gene: IFT140 (intraflagellar transport 140; minus strand). Cytogenetic location: 16p13.3.
Variant type: single nucleotide variant.
Coding change: c.4077G>T on transcript NM_014714.4 (MANE Select); coding-DNA position 4077, G replaced by T.
Protein change: p.Gln1359His; replaces glutamine 1359 with histidine.
Molecular consequence: missense variant.
Genome position (GRCh38, 1-based): chr16:1,518,321, C>A on the plus strand (G>T on the coding strand, the complement: IFT140 is on the minus strand). VCF-style: chr16-1518321-C-A. GRCh37 (hg19) VCF-style: chr16-1568322-C-A.
Other names: short protein forms Q1359H.
Identifiers: ClinVar variation 1385250 (VCV001385250.3), dbSNP rs1387346251, ClinGen allele CA394223767.
Genomic context (GRCh38, chr16:1,518,321, plus strand): 5'-ATAGACGTCCCCGATGCGGATGGTGCTGTCCAGGTCTGGTTCCTCCAGGAGCAGCTCACA[C>A]TGCTTGATGGACTCCTTGGGGTCCTCTGTGTACGTCCTGCCGAGAGCAGAGATGAGGCCT-3'
Protein context (NP_055529.2, residues 1349-1369): YTEDPKESIK[Gln1359His]CELLLEEPDL

ClinVar aggregate classification (germline): Uncertain significance (1 of 4 stars; one submission).

Conditions:
Saldino-Mainzer syndrome (SRTD9). Also called: CONORENAL SYNDROME; Renal dysplasia, retinal pigmentary dystrophy, cerebellar ataxia and skeletal dysplasia; SHORT-RIB THORACIC DYSPLASIA 9 WITHOUT POLYDACTYLY; short-rib thoracic dysplasia 9 with or without polydactyly. Identifiers: Orphanet 140969, MedGen C1849437, MONDO:0009964, OMIM 266920.

gnomAD v4.1: 2 of 1,614,122 alleles (0.00012%); highest among the groups gnomAD compares: Non-Finnish European, 0.00017%; no homozygotes.

Submission:

Labcorp Genetics (formerly Invitae), Labcorp
Classification: Uncertain significance for Saldino-Mainzer syndrome. Last evaluated: 2021-10-07. Review status: criteria provided, single submitter. Criteria: Invitae Variant Classification Sherloc (09022015). Collection method: clinical testing. Allele origin: germline.
Comment: This sequence change replaces glutamine with histidine at codon 1359 of the IFT140 protein (p.Gln1359His). The glutamine residue is moderately conserved and there is a small physicochemical difference between glutamine and histidine. This variant is not present in population databases (ExAC no frequency). This variant has not been reported in the literature in individuals affected with IFT140-related conditions. Algorithms developed to predict the effect of missense changes on protein structure and function are either unavailable or do not agree on the potential impact of this missense change (SIFT: "Deleterious"; PolyPhen-2: "Possibly Damaging"; Align-GVGD: "Class C0"). In summary, the available evidence is currently insufficient to determine the role of this variant in disease. Therefore, it has been classified as a Variant of Uncertain Significance.